The following is an entry in ClinVar:

NM_133444.3(ZNF526):c.1576C>T (p.Arg526Cys)

Gene: ZNF526 (zinc finger protein 526; plus strand). Cytogenetic location: 19q13.2.
Variant type: single nucleotide variant.
Coding change: c.1576C>T on transcript NM_133444.3 (MANE Select); coding-DNA position 1576, C replaced by T.
Protein change: p.Arg526Cys; replaces arginine 526 with cysteine.
Molecular consequence: missense variant.
Genome position (GRCh38, 1-based): chr19:42,225,979, C>T. VCF-style: chr19-42225979-C-T. GRCh37 (hg19) VCF-style: chr19-42730131-C-T.
Other names: c.1576C>T, p.Arg526Cys (NM_001314033.3); short protein forms R526C.
Identifiers: ClinVar variation 3356834 (VCV003356834.1).

ClinVar aggregate classification (germline): Uncertain significance (0 of 4 stars; one submission).

Conditions:
ZNF526-related disorder. Also called: ZNF526-related condition.

gnomAD v4.1: 5 of 1,613,866 alleles (0.00031%); highest among the groups gnomAD compares: African/African-American, 0.0053%; no homozygotes.

Submission:

PreventionGenetics, part of Exact Sciences
Classification: Uncertain significance for ZNF526-related condition. Last evaluated: 2024-04-08. Review status: no assertion criteria provided. Collection method: clinical testing. Allele origin: germline.
Comment: The ZNF526 c.1576C>T variant is predicted to result in the amino acid substitution p.Arg526Cys. To our knowledge, this variant has not been reported in the literature or in a large population database, indicating this variant is rare. At this time, the clinical significance of this variant is uncertain due to the absence of conclusive functional and genetic evidence.